The following is an entry in ClinVar:

NM_001382567.1(STIM1):c.79C>G (p.His27Asp)

Gene: STIM1 (stromal interaction molecule 1; plus strand). Cytogenetic location: 11p15.4.
Variant type: single nucleotide variant.
Coding change: c.79C>G on transcript NM_001382567.1 (MANE Select); coding-DNA position 79, C replaced by G.
Protein change: p.His27Asp; replaces histidine 27 with aspartic acid.
Molecular consequence: missense variant. On other transcripts: synonymous variant (1), 5 prime UTR variant (1), non-coding transcript variant (3), intron variant (10).
Genome position (GRCh38, 1-based): chr11:3,856,349, C>G. VCF-style: chr11-3856349-C-G. GRCh37 (hg19) VCF-style: chr11-3877579-C-G.
Other names: c.79C>G, p.His27Asp (NM_001277961.3, NM_001277962.2, NM_001382568.1 and 3 more transcripts); c.75C>G, p.Val25= (NM_001382569.1); c.-159C>G (NM_001382571.1); c.-84+1613C>G (NM_001382578.1, NM_001382575.1, NM_001382574.1); c.-220+1613C>G (NM_001382580.1, NM_001382581.1); c.-84+1695C>G (NM_001382576.1); c.-84+933C>G (NM_001382566.1, NM_001382579.1, NM_001382577.1 and 1 more transcripts); short protein forms H27D.
Identifiers: ClinVar variation 2946366 (VCV002946366.3), dbSNP rs2496539546, ClinGen allele CA379196433.

ClinVar aggregate classification (germline): Uncertain significance (1 of 4 stars; one submission).

Conditions:
Stormorken syndrome (STRMK). Also called: THROMBOCYTOPATHY, ASPLENIA, AND MIOSIS. Identifiers: Orphanet 3204, MedGen C1861451, MONDO:0008497, OMIM 185070.
Combined immunodeficiency due to STIM1 deficiency. Also called: IMMUNODEFICIENCY 10; STIM1 DEFICIENCY. Identifiers: Orphanet 169090, Orphanet 317430, MedGen C2748557, MONDO:0013008, OMIM 612783.
Myopathy with tubular aggregates (TAM). Also called: Tubular Aggregate Myopathy. Identifiers: Orphanet 2593, MedGen C0410207, MONDO:0008051.

Submission:

Labcorp Genetics (formerly Invitae), Labcorp
Classification: Uncertain significance for Myopathy with tubular aggregates; Combined immunodeficiency due to STIM1 deficiency; Stormorken syndrome. Last evaluated: 2023-04-09. Review status: criteria provided, single submitter. Criteria: Invitae Variant Classification Sherloc (09022015). Collection method: clinical testing. Allele origin: germline.
Comment: In summary, the available evidence is currently insufficient to determine the role of this variant in disease. Therefore, it has been classified as a Variant of Uncertain Significance. Advanced modeling of protein sequence and biophysical properties (such as structural, functional, and spatial information, amino acid conservation, physicochemical variation, residue mobility, and thermodynamic stability) performed at Invitae indicates that this missense variant is not expected to disrupt STIM1 protein function. This variant has not been reported in the literature in individuals affected with STIM1-related conditions. This variant is not present in population databases (gnomAD no frequency). This sequence change replaces histidine, which is basic and polar, with aspartic acid, which is acidic and polar, at codon 27 of the STIM1 protein (p.His27Asp).